The following is an entry in ClinVar:

NM_002180.3(IGHMBP2):c.2612-14C>T

Gene: IGHMBP2 (immunoglobulin mu DNA binding protein 2; plus strand). Cytogenetic location: 11q13.3.
Variant type: single nucleotide variant.
Coding change: c.2612-14C>T on transcript NM_002180.3 (MANE Select); 14 bases into the intron before coding-DNA position 2612, C replaced by T.
Molecular consequence: intron variant.
Genome position (GRCh38, 1-based): chr11:68,938,168, C>T. VCF-style: chr11-68938168-C-T. GRCh37 (hg19) VCF-style: chr11-68705636-C-T.
Identifiers: ClinVar variation 507553 (VCV000507553.8), dbSNP rs200940488, ClinGen allele CA6153967.

ClinVar aggregate classification (germline): Likely benign. Review status: criteria provided, multiple submitters, no conflicts (2 of 4 stars). 3 submissions from 3 submitters: Likely benign (3). Last evaluated 2025-07-03.

Conditions:
Charcot-Marie-Tooth disease axonal type 2S. Also called: CHARCOT-MARIE-TOOTH NEUROPATHY, TYPE 2S; CHARCOT-MARIE-TOOTH DISEASE, AXONAL, AUTOSOMAL RECESSIVE, TYPE 2S. Identifiers: Orphanet 443073, MedGen C4015349, MONDO:0014511, OMIM 616155.
Autosomal recessive distal spinal muscular atrophy 1. Also called: HMN VI; NEURONOPATHY, SEVERE INFANTILE AXONAL, WITH RESPIRATORY FAILURE; SEVERE INFANTILE AXONAL NEUROPATHY WITH RESPIRATORY FAILURE; SPINAL MUSCULAR ATROPHY, DIAPHRAGMATIC; Spinal muscular atrophy with respiratory distress 1; NEURONOPATHY, DISTAL HEREDITARY MOTOR, HARDING TYPE VI. Identifiers: Orphanet 98920, MedGen C1858517, MONDO:0011436, OMIM 604320.
Charcot-Marie-Tooth disease. Also called: Charcot-Marie-Tooth Neuropathy; Charcot-Marie-Tooth Hereditary Neuropathy. Identifiers: Orphanet 166, MedGen C0007959, MONDO:0015626.

Allele frequency attached by ClinVar (database versions not stated): TOPMed 0.00010; gnomAD 0.00011; ESP Exome Variant Server 0.00015; 1000 Genomes Project 30x 0.00016; 1000 Genomes Project 0.00020.
gnomAD v4.1: 267 of 1,613,856 alleles (0.017%); highest among the groups gnomAD compares: Non-Finnish European, 0.02%; no homozygotes.

Submissions (3):

Labcorp Genetics (formerly Invitae), Labcorp
Classification: Likely benign for Autosomal recessive distal spinal muscular atrophy 1; Charcot-Marie-Tooth disease axonal type 2S. Last evaluated: 2025-07-03. Review status: criteria provided, single submitter. Criteria: Invitae Variant Classification Sherloc (09022015). Collection method: clinical testing. Allele origin: germline.

GeneDx
Classification: Likely benign. Last evaluated: 2017-02-28. Review status: criteria provided, single submitter. Criteria: GeneDx Variant Classification (06012015). Collection method: clinical testing. Allele origin: germline. Affected: yes.
Comment: This variant is considered likely benign or benign based on one or more of the following criteria: it is a conservative change, it occurs at a poorly conserved position in the protein, it is predicted to be benign by multiple in silico algorithms, and/or has population frequency not consistent with disease.

Molecular Genetics Laboratory, London Health Sciences Centre
Classification: Likely benign for Charcot-Marie-Tooth disease. Review status: criteria provided, single submitter. Criteria: ACMG Guidelines, 2015. Collection method: clinical testing. Allele origin: germline. Affected: yes.